The following is an entry in ClinVar:

ClinVar aggregate classification (germline): Uncertain significance (1 of 4 stars; one submission).

Allele frequency attached by ClinVar (database versions not stated): TOPMed below 0.00001.

Submission:

Labcorp Genetics (formerly Invitae), Labcorp
Classification: Uncertain significance. Last evaluated: 2021-12-18. Review status: criteria provided, single submitter. Criteria: Invitae Variant Classification Sherloc (09022015). Collection method: clinical testing. Allele origin: germline.
Comment: In summary, the available evidence is currently insufficient to determine the role of this variant in disease. Therefore, it has been classified as a Variant of Uncertain Significance. Algorithms developed to predict the effect of missense changes on protein structure and function are either unavailable or do not agree on the potential impact of this missense change (SIFT: "Deleterious"; PolyPhen-2: "Benign"; Align-GVGD: "Class C0"). This variant has not been reported in the literature in individuals affected with TBCK-related conditions. This variant is not present in population databases (gnomAD no frequency). This sequence change replaces histidine, which is basic and polar, with tyrosine, which is neutral and polar, at codon 809 of the TBCK protein (p.His809Tyr).

NM_001163435.3(TBCK):c.2425C>T (p.His809Tyr)

Gene: TBCK (TBC1 domain containing kinase; minus strand). Cytogenetic location: 4q24.
Variant type: single nucleotide variant.
Coding change: c.2425C>T on transcript NM_001163435.3 (MANE Select); coding-DNA position 2425, C replaced by T.
Protein change: p.His809Tyr; replaces histidine 809 with tyrosine.
Molecular consequence: missense variant.
Genome position (GRCh38, 1-based): chr4:106,095,628, G>A on the plus strand (C>T on the coding strand, the complement: TBCK is on the minus strand). VCF-style: chr4-106095628-G-A. GRCh37 (hg19) VCF-style: chr4-107016785-G-A.
Other names: c.2425C>T, p.His809Tyr (NM_001163436.4); c.2308C>T, p.His770Tyr (NM_001163437.3); c.1909C>T, p.His637Tyr (NM_001290768.2); c.2236C>T, p.His746Tyr (NM_033115.5); short protein forms H770Y, H637Y, H809Y, H746Y.
Identifiers: ClinVar variation 2046669 (VCV002046669.4), dbSNP rs1394450675, ClinGen allele CA357970862.
Genomic context (GRCh38, chr4:106,095,628, plus strand): 5'-TAAGCTCCCCTTCTGCAGTGAAGGCAGCACTGAATGGAATGTTGATGCTTCCTGAAATGT[G>A]ACCACGAATAAAGCTGAGAAGGAAAGTTTAAGGAAAACATTTATTTGTGTGCAATCCTGA-3'
Protein context (NP_001156907.2, residues 799-819): IRNSEDFIRG[His809Tyr]ISGSINIPFS